The following is an entry in ClinVar:

NM_001430.5(EPAS1):c.2140T>C (p.Tyr714His)

Gene: EPAS1 (endothelial PAS domain protein 1; plus strand). Cytogenetic location: 2p21.
Variant type: single nucleotide variant.
Coding change: c.2140T>C on transcript NM_001430.5 (MANE Select); coding-DNA position 2140, T replaced by C.
Protein change: p.Tyr714His; replaces tyrosine 714 with histidine.
Molecular consequence: missense variant.
Genome position (GRCh38, 1-based): chr2:46,381,690, T>C. VCF-style: chr2-46381690-T-C. GRCh37 (hg19) VCF-style: chr2-46608829-T-C.
Other names: short protein forms Y714H.
Identifiers: ClinVar variation 3221603 (VCV003221603.1), dbSNP rs991943295, ClinGen allele CA46568264.

ClinVar aggregate classification (germline): Uncertain significance (1 of 4 stars; one submission).

Conditions:
Inborn genetic diseases. Identifiers: MedGen C0950123, MeSH D030342.

Submission:

Ambry Genetics
Classification: Uncertain significance for Inborn genetic diseases. Last evaluated: 2024-02-28. Review status: criteria provided, single submitter. Criteria: Ambry Variant Classification Scheme 2023. Collection method: clinical testing. Allele origin: germline.
Comment: The p.Y714H variant (also known as c.2140T>C), located in coding exon 13 of the EPAS1 gene, results from a T to C substitution at nucleotide position 2140. The tyrosine at codon 714 is replaced by histidine, an amino acid with similar properties. This amino acid position is conserved. In addition, this alteration is predicted to be tolerated by in silico analysis. Based on the available evidence, the clinical significance of this alteration remains unclear.